The following is an entry in ClinVar:

NM_201253.3(CRB1):c.2365_2367del (p.Asn789del)

Gene: CRB1 (crumbs cell polarity complex component 1; plus strand). Cytogenetic location: 1q31.3.
Variant type: Deletion.
Coding change: c.2365_2367del on transcript NM_201253.3 (MANE Select); coding-DNA positions 2365 to 2367, 3 bases deleted (AAT; older notation c.2365_2367delAAT).
Protein change: p.Asn789del; deletes asparagine 789.
Molecular consequence: inframe deletion. On other transcripts: non-coding transcript variant (2), intron variant (1).
Genome position (GRCh38, 1-based): chr1:197,427,690-197,427,692, AAT deleted; deleting any 3 consecutive bases within chr1:197,427,689-197,427,692 gives the same sequence; the c. name uses the placement nearest the transcript's 3' end. VCF-style (leftmost placement, unchanged base first): chr1-197427688-TTAA-T. GRCh37 (hg19) VCF-style: chr1-197396818-TTAA-T.
Other names: c.2365_2367delAAT (NM_201253.2); c.2029_2031del, p.Asn677del (NM_001193640.2); c.2158_2160del, p.Asn720del (NM_001257965.2); c.2128+5734_2128+5736del (NM_001257966.2); short protein forms N677del, N720del, N789del.
Identifiers: ClinVar variation 866672 (VCV000866672.14), dbSNP rs1433518605, ClinGen allele CA729757192.
Genomic context (GRCh38, chr1:197,427,688, plus strand): 5'-AGCGCGGCAGACTAGCAATGCTGACTCCAAACTCTCCCAAATTAGTAGTAAAATTTGTTC[TTAA>T]TGATGGAAATGTCCACTTGATATCTTTGAAAATCAAGCCATATAAAATTGAACTGTATCA-3'

ClinVar aggregate classification (germline): Conflicting classifications of pathogenicity. Review status: criteria provided, conflicting classifications (1 of 4 stars). 5 submissions from 5 submitters: Pathogenic (2); Likely pathogenic (2); Uncertain significance (1). Last evaluated 2025-08-15.

Conditions:
Leber congenital amaurosis (LCA). Also called: Leber's amaurosis. Identifiers: Orphanet 65, MedGen C0339527, MeSH D057130, MONDO:0018998.
Leber congenital amaurosis 8 (LCA8). Identifiers: Orphanet 65, MedGen C3151202, MONDO:0013453, OMIM 613835.
CRB1-related disorder. Also called: CRB1-related condition; CRB1-related disorders.
Retinitis pigmentosa 12 (RP12). Also called: RP WITH OR WITHOUT PPRPE; RP WITH OR WITHOUT PRESERVED PARAARTERIOLE RETINAL PIGMENT EPITHELIUM; RETINITIS PIGMENTOSA WITH OR WITHOUT PARAARTERIOLAR PRESERVATION OF RETINAL PIGMENT EPITHELIUM. Identifiers: Orphanet 791, MedGen C1838647, MONDO:0010818, OMIM 600105.

Submissions (5):

Natera, Inc.
Classification: Likely pathogenic for Leber congenital amaurosis. Last evaluated: 2025-08-15. Review status: criteria provided, single submitter. Criteria: Natera Variant Classification Schema (03/2026). Collection method: clinical testing. Allele origin: germline.
Comment: The c.2365_2367del variant in CRB1 is an in-frame deletion predicted to remove asparagine at amino acid 789 while preserving the reading frame. This variant is rare in the general population with a frequency below the threshold expected for the associated phenotype(s). This variant has been observed in one or more individuals affected with the associated recessive disease, as either homozygous or compound heterozygous with a second variant (PMID: 22065545, 27208204). Computational prediction algorithms indicate this variant is likely to affect gene or protein function. Given the available evidence, this variant is classified as Likely Pathogenic.

Labcorp Genetics (formerly Invitae), Labcorp
Classification: Uncertain significance for Leber congenital amaurosis 8; Retinitis pigmentosa 12. Last evaluated: 2025-04-01. Review status: criteria provided, single submitter. Criteria: Invitae Variant Classification Sherloc (09022015). Collection method: clinical testing. Allele origin: germline.
Comment: This variant, c.2365_2367del, results in the deletion of 1 amino acid(s) of the CRB1 protein (p.Asn789del), but otherwise preserves the integrity of the reading frame. This variant is not present in population databases (gnomAD no frequency). This variant has been observed in individual(s) with retinal dystrophy (PMID: 22065545). In at least one individual the data is consistent with being in trans (on the opposite chromosome) from a pathogenic variant. ClinVar contains an entry for this variant (Variation ID: 866672). This variant disrupts the p.Asn789 amino acid residue in CRB1. Other variant(s) that disrupt this residue have been observed in individuals with CRB1-related conditions (PMID: 24265693), which suggests that this may be a clinically significant amino acid residue. In summary, the available evidence is currently insufficient to determine the role of this variant in disease. Therefore, it has been classified as a Variant of Uncertain Significance.

Baylor Genetics
Classification: Likely pathogenic for Leber congenital amaurosis 8. Last evaluated: 2024-02-21. Review status: criteria provided, single submitter. Criteria: ACMG Guidelines, 2015. Collection method: clinical testing. Allele origin: unknown.

Blueprint Genetics
Classification: Pathogenic for CRB1-related disorders. Last evaluated: 2022-10-26. Review status: criteria provided, single submitter. Criteria: ACMG Guidelines, 2015. Collection method: clinical testing. Allele origin: germline. Affected: yes. Observed: 4 variant alleles.

GeneDx
Classification: Pathogenic. Last evaluated: 2019-12-19. Review status: criteria provided, single submitter. Criteria: GeneDx Variant Classification Process June 2021. Collection method: clinical testing. Allele origin: germline. Affected: yes.
Comment: In-frame deletion of 1 amino acid in a non-repeat region; Not observed in large population cohorts (Lek et al., 2016); In silico analysis, which includes protein predictors and evolutionary conservation, supports a deleterious effect; This variant is associated with the following publications: (PMID: 22065545)

Literature cited by the submitters: PubMed 22065545 (cited by Natera, Inc. and Labcorp Genetics (formerly Invitae), Labcorp); PubMed 27208204 (cited by Natera, Inc.); PubMed 24265693 (cited by Labcorp Genetics (formerly Invitae), Labcorp).